The following is an entry in ClinVar:

NM_144997.7(FLCN):c.1536G>A (p.Met512Ile)

Gene: FLCN (folliculin; minus strand). Cytogenetic location: 17p11.2.
Variant type: single nucleotide variant.
Coding change: c.1536G>A on transcript NM_144997.7 (MANE Select); coding-DNA position 1536, G replaced by A.
Protein change: p.Met512Ile; replaces methionine 512 with isoleucine.
Molecular consequence: missense variant.
Genome position (GRCh38, 1-based): chr17:17,214,987, C>T on the plus strand (G>A on the coding strand, the complement: FLCN is on the minus strand). VCF-style: chr17-17214987-C-T. GRCh37 (hg19) VCF-style: chr17-17118301-C-T.
Other names: c.1590G>A, p.Met530Ile (NM_001353229.2); c.1536G>A, p.Met512Ile (NM_001353230.2, NM_001353231.2); short protein forms M512I, M530I.
Identifiers: ClinVar variation 2586507 (VCV002586507.2), dbSNP rs1303612288, ClinGen allele CA398530670.

ClinVar aggregate classification (germline): Uncertain significance (1 of 4 stars; one submission).

Conditions:
Hereditary cancer-predisposing syndrome. Also called: Hereditary neoplastic syndrome; Tumor predisposition; Hereditary Cancer Syndrome; Neoplastic Syndromes, Hereditary. Identifiers: Orphanet 140162, MedGen C0027672, MeSH D009386, MONDO:0015356.

Submission:

Ambry Genetics
Classification: Uncertain significance for Hereditary cancer-predisposing syndrome. Last evaluated: 2023-09-06. Review status: criteria provided, single submitter. Criteria: Ambry Variant Classification Scheme 2023. Collection method: clinical testing. Allele origin: germline.
Comment: The p.M512I variant (also known as c.1536G>A), located in coding exon 10 of the FLCN gene, results from a G to A substitution at nucleotide position 1536. The methionine at codon 512 is replaced by isoleucine, an amino acid with highly similar properties. This amino acid position is highly conserved in available vertebrate species. In addition, this alteration is predicted to be deleterious by in silico analysis. Since supporting evidence is limited at this time, the clinical significance of this alteration remains unclear.